The following is an entry in ClinVar:

NM_000169.3(GLA):c.440G>A (p.Gly147Glu)

Genes: GLA (galactosidase alpha; minus strand), RPL36A-HNRNPH2 (RPL36A-HNRNPH2 readthrough; plus strand). Cytogenetic location: Xq22.1.
Variant type: single nucleotide variant.
Coding change: c.440G>A on transcript NM_000169.3 (MANE Select); coding-DNA position 440, G replaced by A.
Protein change: p.Gly147Glu; replaces glycine 147 with glutamic acid.
Molecular consequence: missense variant. On other transcripts: non-coding transcript variant (3), intron variant (2).
Genome position (GRCh38, 1-based): chrX:101,401,739, C>T on the plus strand (G>A on the coding strand, the complement: GLA is on the minus strand). VCF-style: chrX-101401739-C-T. GRCh37 (hg19) VCF-style: chrX-100656727-C-T.
Other names: c.563G>A, p.Gly188Glu (NM_001406747.1, NM_001406749.1); c.440G>A, p.Gly147Glu (NM_001406748.1); c.300+6282C>T (NM_001199973.2); c.177+9917C>T (NM_001199974.2); short protein forms G147E, G188E.
Identifiers: ClinVar variation 4974888 (VCV004974888.1).

ClinVar aggregate classification (germline): Pathogenic (1 of 4 stars; one submission).

Conditions:
Fabry disease. Also called: Fabry's disease; ALPHA-GALACTOSIDASE A DEFICIENCY; ANDERSON-FABRY DISEASE; CERAMIDE TRIHEXOSIDASE DEFICIENCY; GLA DEFICIENCY; HEREDITARY DYSTOPIC LIPIDOSIS. Identifiers: Orphanet 324, MedGen C0002986, MONDO:0010526, OMIM 301500, HP:0001071. Disease mechanism: Fabry disease is due to inactivating mutations in the X-linked GLA gene resulting in deficiency of the enzyme Alpha Galactosidase-A., loss of function.

Submission:

Genomenon, Inc
Classification: Pathogenic for Fabry disease. Last evaluated: 2026-09-08. Review status: criteria provided, single submitter. Criteria: Genomenon Sequence Variant Interpretation Standards - Updated. Collection method: curation. Allele origin: germline. Affected: yes.
Comment: GLA p.Gly147Glu (c.440G>A) is a missense variant that changes the amino acid at codon 147 from Glycine to Glutamic acid. This variant has been observed in at least one proband with clinical features consistent with Fabry disease (PMID:25965380;30988410;32797665). The variant was found to segregate with disease in at least one affected family (PMID:32797665). At least one functional study has demonstrated a substantial alteration in protein function relative to the wild-type (PMID:27657681). It is absent or not present at a significant frequency in gnomAD. In silico models predict that this variant is possibly or probably damaging. In conclusion, we classify GLA p.Gly147Glu (c.440G>A) as a pathogenic variant.

Literature cited by the submitters: PubMed 25965380; PubMed 30988410; PubMed 32797665; PubMed 27657681.